The following is an entry in ClinVar:

ClinVar aggregate classification (germline): Conflicting classifications of pathogenicity. Review status: criteria provided, conflicting classifications (1 of 4 stars). 7 submissions from 7 submitters: Uncertain significance (6); Likely benign (1). Last evaluated 2025-10-14.

Conditions:
Developmental delay. Also called: Delayed development. Identifiers: MedGen C0424605.
Macrocephaly. Also called: Macrocephalus; large head. Identifiers: MedGen C2243051, HP:0000256.
Inborn genetic diseases. Identifiers: MedGen C0950123, MeSH D030342.
Developmental and epileptic encephalopathy. Identifiers: MedGen C5779964, MONDO:0100620.

Allele frequency attached by ClinVar (database versions not stated): gnomAD 0.00024 and 0.00025; 1000 Genomes Project 30x 0.00047; TOPMed 0.00054; 1000 Genomes Project 0.00060; gnomAD exomes 0.00003 and 0.00004; ExAC 0.00005.

Submissions (7):

Ambry Genetics
Classification: Uncertain significance for Inborn genetic diseases. Last evaluated: 2025-10-14. Review status: criteria provided, single submitter. Criteria: Ambry Variant Classification Scheme 2023. Collection method: clinical testing. Allele origin: germline.
Comment: The c.679G>A (p.V227M) alteration is located in exon 8 (coding exon 7) of the SLC25A22 gene. This alteration results from a G to A substitution at nucleotide position 679, causing the valine (V) at amino acid position 227 to be replaced by a methionine (M). Based on data from gnomAD, the A allele has an overall frequency of 0.004% (12/281960) total alleles studied. The highest observed frequency was 0.014% (1/7212) of Other alleles. Based on insufficient or conflicting evidence, the clinical significance of this alteration remains unclear.

Mayo Clinic Laboratories, Mayo Clinic
Classification: Uncertain significance. Last evaluated: 2024-08-21. Review status: criteria provided, single submitter. Criteria: ACMG Guidelines, 2015. Collection method: clinical testing. Allele origin: germline. Observed: 2 variant alleles.
Comment: PM2_moderate

GeneDx
Classification: Likely benign. Last evaluated: 2024-06-03. Review status: criteria provided, single submitter. Criteria: GeneDx Variant Classification Process June 2021. Collection method: clinical testing. Allele origin: germline. Affected: yes.
Comment: See Variant Classification Assertion Criteria.

Labcorp Genetics (formerly Invitae), Labcorp
Classification: Uncertain significance for Early-infantile DEE. Last evaluated: 2024-01-15. Review status: criteria provided, single submitter. Criteria: Invitae Variant Classification Sherloc (09022015). Collection method: clinical testing. Allele origin: germline.
Comment: This sequence change replaces valine, which is neutral and non-polar, with methionine, which is neutral and non-polar, at codon 227 of the SLC25A22 protein (p.Val227Met). This variant is present in population databases (rs200603610, gnomAD 0.009%). This variant has not been reported in the literature in individuals affected with SLC25A22-related conditions. ClinVar contains an entry for this variant (Variation ID: 207170). Advanced modeling of protein sequence and biophysical properties (such as structural, functional, and spatial information, amino acid conservation, physicochemical variation, residue mobility, and thermodynamic stability) performed at Invitae indicates that this missense variant is not expected to disrupt SLC25A22 protein function with a negative predictive value of 80%. In summary, the available evidence is currently insufficient to determine the role of this variant in disease. Therefore, it has been classified as a Variant of Uncertain Significance.

CeGaT Center for Human Genetics Tuebingen
Classification: Uncertain significance. Last evaluated: 2023-07-01. Review status: criteria provided, single submitter. Criteria: CeGaT Center For Human Genetics Tuebingen Variant Classification Criteria Version 2. Collection method: clinical testing. Allele origin: germline. Affected: yes. Observed: 1 variant allele.
Comment: SLC25A22: PM2:Supporting

Blueprint Genetics
Classification: Uncertain significance. Last evaluated: 2019-10-11. Review status: criteria provided, single submitter. Criteria: ACMG Guidelines, 2015. Collection method: clinical testing. Allele origin: germline.

Clinical Molecular Genetics Laboratory, Johns Hopkins All Children's Hospital
Classification: Uncertain significance for developmental delay; macrocephaly. Last evaluated: 2017-05-25. Review status: criteria provided, single submitter. Criteria: ACMG Guidelines, 2015. Collection method: clinical testing. Allele origin: germline. Affected: yes.

NM_001191061.2(SLC25A22):c.679G>A (p.Val227Met)

Gene: SLC25A22 (solute carrier family 25 member 22; minus strand). Cytogenetic location: 11p15.5.
Variant type: single nucleotide variant.
Coding change: c.679G>A on transcript NM_001191061.2 (MANE Select); coding-DNA position 679, G replaced by A.
Protein change: p.Val227Met; replaces valine 227 with methionine.
Molecular consequence: missense variant.
Genome position (GRCh38, 1-based): chr11:792,367, C>T on the plus strand (G>A on the coding strand, the complement: SLC25A22 is on the minus strand). VCF-style: chr11-792367-C-T. GRCh37 (hg19) VCF-style: chr11-792367-C-T.
Other names: p.V227M:GTG>ATG; p.Val227Met; c.679G>A, p.Val227Met (NM_001191060.2, NM_024698.6); short protein forms V227M.
Identifiers: ClinVar variation 207170 (VCV000207170.41), dbSNP rs200603610, ClinGen allele CA318388.